The following is an entry in ClinVar:

ClinVar aggregate classification (germline): Uncertain significance. Review status: criteria provided, multiple submitters, no conflicts (2 of 4 stars). 2 submissions from 2 submitters: Uncertain significance (2). Last evaluated 2026-03-11.

Conditions:
Hereditary cancer-predisposing syndrome. Also called: Neoplastic Syndromes, Hereditary; Hereditary neoplastic syndrome; Tumor predisposition; Hereditary Cancer Syndrome. Identifiers: Orphanet 140162, MedGen C0027672, MeSH D009386, MONDO:0015356.

Allele frequency attached by ClinVar (database versions not stated): gnomAD exomes below 0.00001.
gnomAD v4.1: 1 of 1,613,484 alleles (0.000062%); highest among the groups gnomAD compares: Non-Finnish European, 0.000085%; no homozygotes.

Submissions (2):

Ambry Genetics
Classification: Uncertain significance for Hereditary cancer-predisposing syndrome. Last evaluated: 2026-03-11. Review status: criteria provided, single submitter. Criteria: Ambry Variant Classification Scheme 2023. Collection method: clinical testing. Allele origin: germline.
Comment: The p.D96H variant (also known as c.286G>C), located in coding exon 2 of the CTNNA1 gene, results from a G to C substitution at nucleotide position 286. The aspartic acid at codon 96 is replaced by histidine, an amino acid with similar properties. This amino acid position is highly conserved in available vertebrate species. In addition, the in silico prediction for this alteration is inconclusive. Based on the available evidence, the clinical significance of this variant remains unclear.

Labcorp Genetics (formerly Invitae), Labcorp
Classification: Uncertain significance. Last evaluated: 2022-07-19. Review status: criteria provided, single submitter. Criteria: Invitae Variant Classification Sherloc (09022015). Collection method: clinical testing. Allele origin: germline.
Comment: ClinVar contains an entry for this variant (Variation ID: 648246). This variant has not been reported in the literature in individuals affected with CTNNA1-related conditions. This variant is present in population databases (no rsID available, gnomAD 0.0009%). This sequence change replaces aspartic acid, which is acidic and polar, with histidine, which is basic and polar, at codon 96 of the CTNNA1 protein (p.Asp96His). Algorithms developed to predict the effect of missense changes on protein structure and function are either unavailable or do not agree on the potential impact of this missense change (SIFT: "Deleterious"; PolyPhen-2: "Possibly Damaging"; Align-GVGD: "Class C0"). In summary, the available evidence is currently insufficient to determine the role of this variant in disease. Therefore, it has been classified as a Variant of Uncertain Significance.

NM_001903.5(CTNNA1):c.286G>C (p.Asp96His)

Gene: CTNNA1 (catenin alpha 1; plus strand). Cytogenetic location: 5q31.2.
Variant type: single nucleotide variant.
Coding change: c.286G>C on transcript NM_001903.5 (MANE Select); coding-DNA position 286, G replaced by C.
Protein change: p.Asp96His; replaces aspartic acid 96 with histidine.
Molecular consequence: missense variant. On other transcripts: intron variant (2).
Genome position (GRCh38, 1-based): chr5:138,783,357, G>C. VCF-style: chr5-138783357-G-C. GRCh37 (hg19) VCF-style: chr5-138119046-G-C.
Other names: c.286G>C, p.Asp96His (NM_001290307.3, NM_001323982.2, NM_001323983.1 and 3 more transcripts); c.-6+85G>C (NM_001290310.3); c.-9+1328G>C (NM_001290309.3); c.286G>C (NM_001903.2); short protein forms D96H.
Identifiers: ClinVar variation 648246 (VCV000648246.11), dbSNP rs1451287719, ClinGen allele CA361477690.